The following is an entry in ClinVar:

NM_020366.4(RPGRIP1):c.957T>G (p.His319Gln)

Gene: RPGRIP1 (RPGR interacting protein 1; plus strand). Cytogenetic location: 14q11.2.
Variant type: single nucleotide variant.
Coding change: c.957T>G on transcript NM_020366.4 (MANE Select); coding-DNA position 957, T replaced by G.
Protein change: p.His319Gln; replaces histidine 319 with glutamine.
Molecular consequence: missense variant.
Genome position (GRCh38, 1-based): chr14:21,311,850, T>G. VCF-style: chr14-21311850-T-G. GRCh37 (hg19) VCF-style: chr14-21780009-T-G.
Other names: short protein forms H319Q.
Identifiers: ClinVar variation 958414 (VCV000958414.7), dbSNP rs778477037, ClinGen allele CA7088836.

ClinVar aggregate classification (germline): Uncertain significance (1 of 4 stars; one submission).

Conditions:
Leber congenital amaurosis 6 (LCA6). Identifiers: Orphanet 65, MedGen C1854260, MONDO:0013446, OMIM 613826.
Cone-rod dystrophy 13 (CORD13). Identifiers: Orphanet 1872, MedGen C2750720, MONDO:0011987, OMIM 608194.

Allele frequency attached by ClinVar (database versions not stated): ExAC 0.00001; gnomAD 0.00001; TOPMed 0.00001.
gnomAD v4.1: 23 of 1,609,906 alleles (0.0014%); highest among the groups gnomAD compares: Non-Finnish European, 0.002%; no homozygotes.

Submission:

Labcorp Genetics (formerly Invitae), Labcorp
Classification: Uncertain significance for Leber congenital amaurosis 6; Cone-rod dystrophy 13. Last evaluated: 2021-09-01. Review status: criteria provided, single submitter. Criteria: Invitae Variant Classification Sherloc (09022015). Collection method: clinical testing. Allele origin: germline.
Comment: This sequence change replaces histidine with glutamine at codon 319 of the RPGRIP1 protein (p.His319Gln). The histidine residue is moderately conserved and there is a small physicochemical difference between histidine and glutamine. This variant is present in population databases (rs778477037, ExAC 0.002%). This variant has not been reported in the literature in individuals affected with RPGRIP1-related conditions. Algorithms developed to predict the effect of missense changes on protein structure and function are either unavailable or do not agree on the potential impact of this missense change (SIFT: "Tolerated"; PolyPhen-2: "Probably Damaging"; Align-GVGD: "Class C0"). In summary, the available evidence is currently insufficient to determine the role of this variant in disease. Therefore, it has been classified as a Variant of Uncertain Significance.